The following is an entry in ClinVar:

ClinVar aggregate classification (germline): Uncertain significance (1 of 4 stars; one submission).

Conditions:
Heterotopia, periventricular, X-linked dominant (PVNH1). Also called: PERIVENTRICULAR NODULAR HETEROTOPIA 1; PERIVENTRICULAR NODULAR HETEROTOPIA 4; HETEROTOPIA, PERIVENTRICULAR, 1; X-linked periventricular heterotopia. Identifiers: Orphanet 2149, Orphanet 82004, MedGen C1848213, MONDO:0010233, OMIM 300049.
Melnick-Needles syndrome (MNS). Also called: Melnick-Needles Syndrome (FLNA-MNS); MELNICK-NEEDLES OSTEODYSPLASTY; OSTEODYSPLASTY OF MELNICK AND NEEDLES. Identifiers: Orphanet 2484, MedGen C0025237, MONDO:0010650, OMIM 309350.
Oto-palato-digital syndrome, type II (OPD2). Also called: Otopalatodigital Syndrome Type 2 (FLNA-OPD2); FACIOPALATOOSSEOUS SYNDROME; OPD II SYNDROME; Otopalatodigital Syndrome, Type II. Identifiers: Orphanet 669, Orphanet 90652, MedGen C1844696, MONDO:0010571, OMIM 304120.
Frontometaphyseal dysplasia (FMD1). Identifiers: Orphanet 1826, MedGen C0265293, MONDO:0015942.

Submission:

Labcorp Genetics (formerly Invitae), Labcorp
Classification: Uncertain significance for Oto-palato-digital syndrome, type II; Heterotopia, periventricular, X-linked dominant; Frontometaphyseal dysplasia; Melnick-Needles syndrome. Last evaluated: 2024-12-09. Review status: criteria provided, single submitter. Criteria: Invitae Variant Classification Sherloc (09022015). Collection method: clinical testing. Allele origin: germline.
Comment: This sequence change replaces proline, which is neutral and non-polar, with serine, which is neutral and polar, at codon 1490 of the FLNA protein (p.Pro1490Ser). This variant is not present in population databases (gnomAD no frequency). This variant has not been reported in the literature in individuals affected with FLNA-related conditions. ClinVar contains an entry for this variant (Variation ID: 1946957). Invitae Evidence Modeling of protein sequence and biophysical properties (such as structural, functional, and spatial information, amino acid conservation, physicochemical variation, residue mobility, and thermodynamic stability) has been performed for this missense variant. However, the output from this modeling did not meet the statistical confidence thresholds required to predict the impact of this variant on FLNA protein function. In summary, the available evidence is currently insufficient to determine the role of this variant in disease. Therefore, it has been classified as a Variant of Uncertain Significance.

NM_001110556.2(FLNA):c.4468C>T (p.Pro1490Ser)

Gene: FLNA (filamin A; minus strand). Cytogenetic location: Xq28.
Variant type: single nucleotide variant.
Coding change: c.4468C>T on transcript NM_001110556.2 (MANE Select); coding-DNA position 4468, C replaced by T.
Protein change: p.Pro1490Ser; replaces proline 1490 with serine.
Molecular consequence: missense variant.
Genome position (GRCh38, 1-based): chrX:154,358,990, G>A on the plus strand (C>T on the coding strand, the complement: FLNA is on the minus strand). VCF-style: chrX-154358990-G-A. GRCh37 (hg19) VCF-style: chrX-153587358-G-A.
Other names: c.4468C>T, p.Pro1490Ser (NM_001456.4); short protein forms P1490S.
Identifiers: ClinVar variation 1946957 (VCV001946957.5), dbSNP rs2522737030, ClinGen allele CA415216163.